The following is an entry in ClinVar:

ClinVar aggregate classification (germline): Uncertain significance (1 of 4 stars; one submission).

Conditions:
Developmental and epileptic encephalopathy, 36 (DEE36). Also called: ALG13-CDG; Epileptic encephalopathy, early infantile, 36; Congenital disorder of glycosylation, type Is. Identifiers: Orphanet 324422, MedGen C4317295, MONDO:0010472, OMIM 300884.

Submission:

Labcorp Genetics (formerly Invitae), Labcorp
Classification: Uncertain significance for Developmental and epileptic encephalopathy, 36. Last evaluated: 2025-01-25. Review status: criteria provided, single submitter. Criteria: Invitae Variant Classification Sherloc (09022015). Collection method: clinical testing. Allele origin: germline.
Comment: This sequence change affects codon 27 of the ALG13 mRNA. It is a 'silent' change, meaning that it does not change the encoded amino acid sequence of the ALG13 protein. It affects a nucleotide within the consensus splice site. This variant is not present in population databases (gnomAD no frequency). This variant has not been reported in the literature in individuals affected with ALG13-related conditions. Algorithms developed to predict the effect of sequence changes on RNA splicing suggest that this variant may create or strengthen a splice site. In summary, the available evidence is currently insufficient to determine the role of this variant in disease. Therefore, it has been classified as a Variant of Uncertain Significance.

NM_001099922.3(ALG13):c.81A>G (p.Gln27=)

Gene: ALG13 (ALG13 UDP-N-acetylglucosaminyltransferase subunit; plus strand). Cytogenetic location: Xq23.
Variant type: single nucleotide variant.
Coding change: c.81A>G on transcript NM_001099922.3 (MANE Select); coding-DNA position 81, A replaced by G.
Protein change: p.Gln27=; no amino-acid change (glutamine 27 retained).
Molecular consequence: synonymous variant. On other transcripts: 5 prime UTR variant (9), non-coding transcript variant (3).
Genome position (GRCh38, 1-based): chrX:111,681,299, A>G. VCF-style: chrX-111681299-A-G. GRCh37 (hg19) VCF-style: chrX-110924527-A-G.
Other names: c.81A>G, p.Gln27= (NM_001039210.5, NM_001168385.3, NM_001324290.2 and 2 more transcripts); c.-128A>G (NM_001257230.2, NM_001324291.2); c.-220A>G (NM_001257231.2, NM_001257241.3); c.-253A>G (NM_001257234.2, NM_001257235.3); c.-357A>G (NM_001257237.2, NM_001257240.3, NM_001324293.1).
Identifiers: ClinVar variation 3729572 (VCV003729572.2).